The following is an entry in ClinVar:

ClinVar aggregate classification (germline): Pathogenic. Review status: criteria provided, single submitter (1 of 4 stars). 2 submissions from 2 submitters: Pathogenic (1). 1 of the submissions does not count toward it. Last evaluated 2022-11-29.

Conditions:
Cortical dysplasia-focal epilepsy syndrome (PTHSL1). Also called: Pitt-Hopkins-like syndrome 1. Identifiers: Orphanet 163681, Orphanet 221150, MedGen C2750246, MONDO:0012400, OMIM 610042.

Submissions (2):

Laboratory of Medical Genetics, University of Torino
Classification: Pathogenic for Cortical dysplasia-focal epilepsy syndrome. Last evaluated: 2022-11-29. Review status: criteria provided, single submitter. Criteria: ACMG Guidelines, 2015. Collection method: research. Allele origin: germline. Affected: yes. Study: NeuroWES.

St. Anna Children's Cancer Research Institute (CCRI)
Classification: Likely pathogenic for Cortical dysplasia-focal epilepsy syndrome. Last evaluated: 2023-02-08. Review status: no assertion criteria provided. Collection method: research. Allele origin: biparental. Inheritance: Autosomal recessive inheritance. Affected: yes. Observed: 1 homozygote. Not counted in ClinVar's aggregate classification.
Comment: ACMG classification: PVS1, PM2 and PM3.

NM_014141.6(CNTNAP2):c.1777+2T>C

Gene: CNTNAP2 (contactin associated protein 2; plus strand). Cytogenetic location: 7q35.
Variant type: single nucleotide variant.
Coding change: c.1777+2T>C on transcript NM_014141.6 (MANE Select); the canonical splice donor site of the intron after coding-DNA position 1777, T replaced by C.
Molecular consequence: splice donor variant.
Genome position (GRCh38, 1-based): chr7:147,486,043, T>C. VCF-style: chr7-147486043-T-C. GRCh37 (hg19) VCF-style: chr7-147183135-T-C.
Identifiers: ClinVar variation 1802571 (VCV001802571.4), dbSNP rs1220885838, ClinGen allele CA369926026.